The following is an entry in ClinVar:

ClinVar aggregate classification (germline): Pathogenic (1 of 4 stars; one submission).

Conditions:
Trimethylaminuria (TMAU). Also called: FISH-ODOR SYNDROME; Fish malodor syndrome; Stale fish syndrome; TMAuria; Primary Trimethylaminuria. Identifiers: MedGen C0342739, MONDO:0011182, OMIM 602079, HP:0003614. Disease mechanism: loss of function.

Submission:

Myriad Genetics, Inc.
Classification: Pathogenic for Trimethylaminuria. Last evaluated: 2026-05-03. Review status: criteria provided, single submitter. Criteria: Myriad Autosomal Dominant, Autosomal Recessive and X-Linked Classification Criteria (2023). Collection method: clinical testing. Allele origin: unknown.
Comment: NM_001002294.2(FMO3):c.735delC(N245Kfs*13) is expected to be pathogenic in the context of primary trimethylaminuria. This variant is predicted to lead to an abnormal or absent protein product due to the creation of a premature termination codon in FMO3, a gene where loss-of-function variants are known to be pathogenic. Please note: this variant was assessed in the context of healthy population screening.

NM_001002294.3(FMO3):c.735del (p.Asn245fs)

Gene: FMO3 (flavin containing dimethylaniline monoxygenase 3; plus strand). Cytogenetic location: 1q24.3.
Variant type: Deletion.
Coding change: c.735del on transcript NM_001002294.3 (MANE Select); coding-DNA position 735, one base deleted (C; older notation c.735delC).
Protein change: p.Asn245fs; shifts the reading frame from asparagine 245.
Molecular consequence: frameshift variant.
Genome position (GRCh38, 1-based): chr1:171,110,905, C deleted. VCF-style (leftmost placement, unchanged base first): chr1-171110904-AC-A. GRCh37 (hg19) VCF-style: chr1-171080045-AC-A.
Other names: c.675del, p.Asn225fs (NM_001319173.2); c.546del, p.Asn182fs (NM_001319174.2); c.735del, p.Asn245fs (NM_006894.6); short protein forms N182fs, N225fs, N245fs.
Identifiers: ClinVar variation 5015863 (VCV005015863.1).
Genomic context (GRCh38, chr1:171,110,904, plus strand): 5'-GGGACAATGGTTATCCTTGGGACATGCTGCTCGTCACTCGATTTGGAACCTTCCTCAAGA[AC>A]AATTTACCGACAGCCATCTCTGACTGGTTGTACGTGAAGCAGATGAATGCAAGATTCAAG-3'